The following is an entry in ClinVar:

ClinVar aggregate classification (germline): Uncertain significance (1 of 4 stars; one submission).

Allele frequency attached by ClinVar (database versions not stated): ExAC 0.00002; gnomAD 0.00003 and 0.00004; gnomAD exomes 0.00001; TOPMed 0.00005.
gnomAD v4.1: 27 of 1,614,050 alleles (0.0017%); highest among the groups gnomAD compares: South Asian, 0.0044%; no homozygotes.

Submission:

Labcorp Genetics (formerly Invitae), Labcorp
Classification: Uncertain significance. Last evaluated: 2021-10-27. Review status: criteria provided, single submitter. Criteria: Invitae Variant Classification Sherloc (09022015). Collection method: clinical testing. Allele origin: germline.
Comment: This sequence change affects codon 403 of the SLC45A2 mRNA. It is a 'silent' change, meaning that it does not change the encoded amino acid sequence of the SLC45A2 protein. This variant is present in population databases (rs751793028, gnomAD 0.003%). This variant has not been reported in the literature in individuals affected with SLC45A2-related conditions. Algorithms developed to predict the effect of sequence changes on RNA splicing suggest that this variant may create or strengthen a splice site. In summary, the available evidence is currently insufficient to determine the role of this variant in disease. Therefore, it has been classified as a Variant of Uncertain Significance.

NM_016180.5(SLC45A2):c.1209G>A (p.Thr403=)

Gene: SLC45A2 (solute carrier family 45 member 2; minus strand). Cytogenetic location: 5p13.2.
Variant type: single nucleotide variant.
Coding change: c.1209G>A on transcript NM_016180.5 (MANE Select); coding-DNA position 1209, G replaced by A.
Protein change: p.Thr403=; no amino-acid change (threonine 403 retained).
Molecular consequence: synonymous variant.
Genome position (GRCh38, 1-based): chr5:33,947,322, C>T on the plus strand (G>A on the coding strand, the complement: SLC45A2 is on the minus strand). VCF-style: chr5-33947322-C-T. GRCh37 (hg19) VCF-style: chr5-33947427-C-T.
Other names: c.1209G>A, p.Thr403= (NM_001012509.4).
Identifiers: ClinVar variation 1378897 (VCV001378897.3), dbSNP rs751793028, ClinGen allele CA3225534.